The following is an entry in ClinVar:

ClinVar aggregate classification (germline): Uncertain significance. Review status: criteria provided, multiple submitters, no conflicts (2 of 4 stars). 2 submissions from 2 submitters: Uncertain significance (2). Last evaluated 2022-10-28.

Conditions:
Retinitis pigmentosa 44 (RP44). Identifiers: Orphanet 791, MedGen C3151068, MONDO:0013414, OMIM 613769.

Allele frequency attached by ClinVar (database versions not stated): TOPMed 0.00001; ExAC 0.00003; gnomAD exomes 0.00003 and 0.00005; gnomAD 0.00004.
gnomAD v4.1: 44 of 1,613,304 alleles (0.0027%); highest among the groups gnomAD compares: South Asian, 0.0022%; no homozygotes.

Submissions (2):

Labcorp Genetics (formerly Invitae), Labcorp
Classification: Uncertain significance. Last evaluated: 2022-10-28. Review status: criteria provided, single submitter. Criteria: Invitae Variant Classification Sherloc (09022015). Collection method: clinical testing. Allele origin: germline.
Comment: In summary, the available evidence is currently insufficient to determine the role of this variant in disease. Therefore, it has been classified as a Variant of Uncertain Significance. Algorithms developed to predict the effect of missense changes on protein structure and function output the following: SIFT: "Tolerated"; PolyPhen-2: "Not Available"; Align-GVGD: "Class C0". The arginine amino acid residue is found in multiple mammalian species, which suggests that this missense change does not adversely affect protein function. ClinVar contains an entry for this variant (Variation ID: 1031726). This variant has not been reported in the literature in individuals affected with RGR-related conditions. This variant is present in population databases (rs751874712, gnomAD 0.04%). This sequence change replaces glycine, which is neutral and non-polar, with arginine, which is basic and polar, at codon 12 of the RGR protein (p.Gly12Arg).

Baylor Genetics
Classification: Uncertain significance for Retinitis pigmentosa 44. Last evaluated: 2018-02-13. Review status: criteria provided, single submitter. Criteria: ACMG Guidelines, 2015. Collection method: clinical testing. Allele origin: maternal. Affected: yes.
Comment: This variant was determined to be of uncertain significance according to ACMG Guidelines, 2015 [PMID:25741868].

NM_001012720.2(RGR):c.34G>A (p.Gly12Arg)

Gene: RGR (retinal G protein coupled receptor; plus strand). Cytogenetic location: 10q23.1.
Variant type: single nucleotide variant.
Coding change: c.34G>A on transcript NM_001012720.2 (MANE Select); coding-DNA position 34, G replaced by A.
Protein change: p.Gly12Arg; replaces glycine 12 with arginine.
Molecular consequence: missense variant.
Genome position (GRCh38, 1-based): chr10:84,245,124, G>A. VCF-style: chr10-84245124-G-A. GRCh37 (hg19) VCF-style: chr10-86004880-G-A.
Other names: c.34G>A, p.Gly12Arg (NM_001012722.2, NM_002921.4); short protein forms G12R.
Identifiers: ClinVar variation 1031726 (VCV001031726.8), dbSNP rs751874712, ClinGen allele CA5581274.